The following is an entry in ClinVar:

NM_004937.3(CTNS):c.*627T>C

Gene: CTNS (cystinosin, lysosomal cystine transporter; plus strand). Cytogenetic location: 17p13.2.
Variant type: single nucleotide variant.
Coding change: c.*627T>C on transcript NM_004937.3 (MANE Select); 627 bases downstream of the stop codon, T replaced by C.
Molecular consequence: 3 prime UTR variant.
Genome position (GRCh38, 1-based): chr17:3,660,996, T>C. VCF-style: chr17-3660996-T-C. GRCh37 (hg19) VCF-style: chr17-3564290-T-C.
Other names: c.*262T>C (NM_001031681.3, NM_001374492.1); c.*627T>C (NM_001374493.1, NM_001374494.1, NM_001374495.1 and 1 more transcripts).
Identifiers: ClinVar variation 322860 (VCV000322860.7), dbSNP rs1048647, ClinGen allele CA10649951.
Genomic context (GRCh38, chr17:3,660,996, plus strand): 5'-CAGCCAGCCCTACCCAGAGTATTTCTGAGCCATGAGGGGCCCACCAGATTGGTTCTGAAT[T>C]GGATTCATGCCCAGCGCATTAGCATAGTAACTCCTTTCAGATTTTTTGGAGGGACGTTTG-3'

ClinVar aggregate classification (germline): Benign. Review status: criteria provided, multiple submitters, no conflicts (2 of 4 stars). 4 submissions from 3 submitters: Benign (4). Last evaluated 2018-06-19.

Conditions:
Ocular cystinosis. Also called: Non-Nephropathic (Ocular) Cystinosis; Non-Nephropathic Cystinosis. Identifiers: Orphanet 213, Orphanet 411641, MedGen C2931013, MONDO:0009064, OMIM 219750.
Nephropathic cystinosis (CTNS). Also called: CYSTINOSIN, DEFECT OF; LYSOSOMAL CYSTINE TRANSPORT PROTEIN, DEFECT OF; Abderhalden Lignac Kaufmann disease; Abderhalden-Kaufmann-Lignac syndrome. Identifiers: Orphanet 213, Orphanet 411629, MedGen C2931187, MONDO:0100151, OMIM 219800.

Allele frequency attached by ClinVar (database versions not stated): TOPMed 0.18957; gnomAD 0.19492 and 0.19744; 1000 Genomes Project 0.19828; 1000 Genomes Project 30x 0.19941; gnomAD exomes 0.21527.
gnomAD v4.1: 116,804 of 555,540 alleles (21%); highest among the groups gnomAD compares: East Asian, 25%; 12,903 homozygotes.

Submissions (4):

GeneDx
Classification: Benign. Last evaluated: 2018-06-19. Review status: criteria provided, single submitter. Criteria: GeneDx Variant Classification (06012015). Collection method: clinical testing. Allele origin: germline. Affected: yes.

Illumina Laboratory Services, Illumina
Classification: Benign for Ocular cystinosis. Last evaluated: 2018-01-13. Review status: criteria provided, single submitter. Criteria: ICSL Variant Classification Criteria 13 December 2019. Collection method: clinical testing. Allele origin: germline.
Comment: This variant was observed in the ICSL laboratory as part of a predisposition screen in an ostensibly healthy population. It had not been previously curated by ICSL or reported in the Human Gene Mutation Database (HGMD: prior to June 1st, 2018), and was therefore a candidate for classification through an automated scoring system. Utilizing variant allele frequency, disease prevalence and penetrance estimates, and inheritance mode, an automated score was calculated to assess if this variant is too frequent to cause the disease. Based on the score and internal cut-off values, a variant classified as benign is not then subjected to further curation. The score for this variant resulted in a classification of benign for this disease.

Illumina Laboratory Services, Illumina
Classification: Benign for Nephropathic cystinosis. Last evaluated: 2018-01-13. Review status: criteria provided, single submitter. Criteria: ICSL Variant Classification Criteria 13 December 2019. Collection method: clinical testing. Allele origin: germline.
Comment: the same text as in the submission from Illumina Laboratory Services, Illumina above.

Breakthrough Genomics
Classification: Benign. Review status: criteria provided, single submitter. Criteria: ACMG Guidelines, 2015. Collection method: not provided. Allele origin: germline. Inheritance: Autosomal recessive inheritance. Affected: yes.